The following is an entry in ClinVar:

NM_015272.5(RPGRIP1L):c.682T>A (p.Leu228Met)

Gene: RPGRIP1L (RPGRIP1 like; minus strand). Cytogenetic location: 16q12.2.
Variant type: single nucleotide variant.
Coding change: c.682T>A on transcript NM_015272.5 (MANE Select); coding-DNA position 682, T replaced by A.
Protein change: p.Leu228Met; replaces leucine 228 with methionine.
Molecular consequence: missense variant.
Genome position (GRCh38, 1-based): chr16:53,686,527, A>T on the plus strand (T>A on the coding strand, the complement: RPGRIP1L is on the minus strand). VCF-style: chr16-53686527-A-T. GRCh37 (hg19) VCF-style: chr16-53720439-A-T.
Other names: c.682T>A, p.Leu228Met (NM_001127897.4, NM_001308334.3, NM_001330538.2); short protein forms L228M.
Identifiers: ClinVar variation 2060052 (VCV002060052.1), dbSNP rs369953449, ClinGen allele CA8058048.
Genomic context (GRCh38, chr16:53,686,527, plus strand): 5'-GAAGAGATAACTCAATTTCATTTTCTTTTCTCCTCAACTGAGTTTTCAGGATCTCAGCCA[A>T]GTGCTCTAACTCCTCTATCTGGCCTCTTTGTGACTGAATAACGTTTTCTCTGAAATAAAG-3'
Protein context (NP_056087.2, residues 218-238): QRGQIEELEH[Leu228Met]AEILKTQLRR

ClinVar aggregate classification (germline): Uncertain significance (1 of 4 stars; one submission).

Conditions:
Joubert syndrome. Also called: CEREBELLOPARENCHYMAL DISORDER IV; JOUBERT-BOLTSHAUSER SYNDROME; Familial aplasia of the vermis. Identifiers: Orphanet 475, MedGen C5979921, MONDO:0018772.
Meckel-Gruber syndrome. Also called: DYSENCEPHALIA SPLANCHNOCYSTICA; GRUBER SYNDROME; Dysencephalia splachnocystica. Identifiers: Orphanet 564, MedGen C0265215, MONDO:0018921.

Allele frequency attached by ClinVar (database versions not stated): gnomAD exomes below 0.00001; gnomAD 0.00001; TOPMed 0.00001; ExAC 0.00002; ESP Exome Variant Server 0.00008.
gnomAD v4.1: 5 of 1,613,612 alleles (0.00031%); highest among the groups gnomAD compares: Non-Finnish European, 0.00034%; no homozygotes.

Submission:

Labcorp Genetics (formerly Invitae), Labcorp
Classification: Uncertain significance for Joubert syndrome; Meckel-Gruber syndrome. Last evaluated: 2022-04-28. Review status: criteria provided, single submitter. Criteria: Invitae Variant Classification Sherloc (09022015). Collection method: clinical testing. Allele origin: germline.
Comment: This sequence change replaces leucine, which is neutral and non-polar, with methionine, which is neutral and non-polar, at codon 228 of the RPGRIP1L protein (p.Leu228Met). This variant is present in population databases (rs369953449, gnomAD 0.004%). This variant has not been reported in the literature in individuals affected with RPGRIP1L-related conditions. Algorithms developed to predict the effect of missense changes on protein structure and function output the following: SIFT: "Tolerated"; PolyPhen-2: "Benign"; Align-GVGD: "Class C0". The methionine amino acid residue is found in multiple mammalian species, which suggests that this missense change does not adversely affect protein function. In summary, the available evidence is currently insufficient to determine the role of this variant in disease. Therefore, it has been classified as a Variant of Uncertain Significance.